The following is an entry in ClinVar:

NM_033380.3(COL4A5):c.919G>A (p.Gly307Ser)

Gene: COL4A5 (collagen type IV alpha 5 chain; plus strand). Cytogenetic location: Xq22.3.
Variant type: single nucleotide variant.
Coding change: c.919G>A on transcript NM_033380.3 (MANE Select); coding-DNA position 919, G replaced by A.
Protein change: p.Gly307Ser; replaces glycine 307 with serine.
Molecular consequence: missense variant.
Genome position (GRCh38, 1-based): chrX:108,581,010, G>A. VCF-style: chrX-108581010-G-A. GRCh37 (hg19) VCF-style: chrX-107824240-G-A.
Other names: c.919G>A (NM_000495.4, NM_033380.2); c.919G>A, p.Gly307Ser (NM_000495.5); short protein forms G307S.
Identifiers: ClinVar variation 1522243 (VCV001522243.10), dbSNP rs2147777425, ClinGen allele CA413926949.

ClinVar aggregate classification (germline): Pathogenic/Likely pathogenic. Review status: criteria provided, multiple submitters, no conflicts (2 of 4 stars). 4 submissions from 4 submitters: Pathogenic (1); Likely pathogenic (3). Last evaluated 2025-09-12.

Conditions:
X-linked Alport syndrome (ATS1). Also called: COL4A5-Related Nephropathy; NEPHROPATHY AND DEAFNESS, X-LINKED. Identifiers: Orphanet 63, Orphanet 88917, MedGen C4746986, MONDO:0010520, OMIM 301050.

gnomAD v4.1: 22 of 1,208,645 alleles (0.0018%); highest among the groups gnomAD compares: Non-Finnish European, 0.0024%; no homozygotes.

Submissions (4):

Natera, Inc.
Classification: Likely pathogenic for X-linked Alport syndrome. Last evaluated: 2025-09-12. Review status: criteria provided, single submitter. Criteria: Natera Variant Classification Schema (03/2026). Collection method: clinical testing. Allele origin: germline.
Comment: The c.919G>A variant in COL4A5 is a missense variant predicted to cause substitution of glycine to serine at amino acid 307. This variant is rare in the general population with a frequency below the threshold expected for the associated phenotype(s). This variant has been observed in affected individual(s) with monoallelic occurrence (heterozygous/hemizygous) (PMID: 34120753). This variant is located in a functionally critical region of the protein. Computational prediction algorithms indicate this variant is likely to affect gene or protein function. Given the available evidence, this variant is classified as Likely Pathogenic.

Victorian Clinical Genetics Services, Murdoch Childrens Research Institute
Classification: Pathogenic for X-linked Alport syndrome. Last evaluated: 2024-10-09. Review status: criteria provided, single submitter. Criteria: ACMG Guidelines, 2015. Collection method: clinical testing. Allele origin: germline. Inheritance: X-linked dominant inheritance.
Comment: Based on the classification scheme VCGS_Germline_v1.3.4, this variant is classified as Pathogenic. The following criteria are met: 0103 - Dominant negative and loss of function are known mechanisms of disease in this gene and are associated with X-linked Alport syndrome 1 (MIM#301050). Dominant negative is caused mostly by glycine substitutions that affect the conformation of the protein, and loss of function can be caused by either protein truncating or missense variants (PMID: 24046192, PMID: 12028435). (I) 0110 - This gene is associated with X-linked dominant disease. Males are typically more severely affected than females (PMID: 19965530). (I) 0115 - Variants in this gene are known to have variable expressivity. There is intrafamilial variability among affected carrier females, possibly due to variable X-inactivation (PMID: 14514738). (I) 0200 - Variant is predicted to result in a missense amino acid change from glycine to serine. (I) 0251 - This variant is heterozygous. (I) 0301 - Variant is absent from gnomAD (both v2 and v3). (SP) 0501 - Missense variant consistently predicted to be damaging by multiple in silico tools and highly conserved with a minor amino acid change. (SP) 0601 - Variant is located in the well-established triple helical G-X-Y repeat region, and affects a glycine residue (DECIPHER). (SP) 0704 - Another missense variant comparable to the one identified in this case has limited previous evidence for pathogenicity. p.(Gly307Asp) has previously been reported as likely pathogenic and pathogenic (ClinVar, LOVD). (SP) 0802 - This variant has moderate previous evidence of pathogenicity in unrelated individuals. This variant has been reported as likely pathogenic (ClinVar, LOVD). It has also been reported in at least one family with glomerulopathy where onset of symptoms were reported to be in adulthood (PMID: 34746741). (SP) 0905 - No published segregation evidence has been identified for this variant. (I) 1007 - No published functional evidence has been identified for this variant. (I) Legend: (SP) - Supporting pathogenic, (I) - Information, (SB) - Supporting benign

Labcorp Genetics (formerly Invitae), Labcorp
Classification: Likely pathogenic. Last evaluated: 2023-11-06. Review status: criteria provided, single submitter. Criteria: Invitae Variant Classification Sherloc (09022015). Collection method: clinical testing. Allele origin: germline.
Comment: This sequence change replaces glycine, which is neutral and non-polar, with serine, which is neutral and polar, at codon 307 of the COL4A5 protein (p.Gly307Ser). This variant is not present in population databases (gnomAD no frequency). This variant has not been reported in the literature in individuals affected with COL4A5-related conditions. ClinVar contains an entry for this variant (Variation ID: 1522243). Advanced modeling of protein sequence and biophysical properties (such as structural, functional, and spatial information, amino acid conservation, physicochemical variation, residue mobility, and thermodynamic stability) performed at Invitae indicates that this missense variant is expected to disrupt COL4A5 protein function with a positive predictive value of 95%. This variant disrupts the triple helix domain of COL4A5. Glycine residues within the Gly-Xaa-Yaa repeats of the triple helix domain are required for the structure and stability of fibrillar collagens (PMID: 7695699, 8218237, 19344236). In COL4A5, missense variants at these glycine residues are significantly enriched in individuals with disease (PMID: 23720012, 27627812) compared to the general population (ExAC). In summary, the currently available evidence indicates that the variant is pathogenic, but additional data are needed to prove that conclusively. Therefore, this variant has been classified as Likely Pathogenic.

Fulgent Genetics
Classification: Likely pathogenic for X-linked Alport syndrome. Last evaluated: 2022-04-14. Review status: criteria provided, single submitter. Criteria: ACMG Guidelines, 2015. Collection method: clinical testing. Allele origin: unknown.

Literature cited by the submitters: PubMed 34120753 (cited by Natera, Inc.); PubMed 12028435 (cited by Victorian Clinical Genetics Services, Murdoch Childrens Research Institute); PubMed 14514738 (cited by Victorian Clinical Genetics Services, Murdoch Childrens Research Institute); PubMed 19965530 (cited by Victorian Clinical Genetics Services, Murdoch Childrens Research Institute); PubMed 24046192 (cited by Victorian Clinical Genetics Services, Murdoch Childrens Research Institute); PubMed 26809805 (cited by Victorian Clinical Genetics Services, Murdoch Childrens Research Institute); PubMed 34746741 (cited by Victorian Clinical Genetics Services, Murdoch Childrens Research Institute); PubMed 7695699 (cited by Labcorp Genetics (formerly Invitae), Labcorp); PubMed 8218237 (cited by Labcorp Genetics (formerly Invitae), Labcorp); PubMed 19344236 (cited by Labcorp Genetics (formerly Invitae), Labcorp); PubMed 23720012 (cited by Labcorp Genetics (formerly Invitae), Labcorp); PubMed 27627812 (cited by Labcorp Genetics (formerly Invitae), Labcorp).